The following is an entry in ClinVar:

ClinVar aggregate classification (germline): Benign (1 of 4 stars; one submission).

Conditions:
Amyotrophic lateral sclerosis type 21. Also called: VOCAL CORD AND PHARYNGEAL DYSFUNCTION WITH DISTAL MYOPATHY; MYOPATHY, DISTAL, 2. Identifiers: Orphanet 600, Orphanet 803, MedGen C3807521, MONDO:0011632, OMIM 606070.

Allele frequency attached by ClinVar (database versions not stated): 1000 Genomes Project 0.00020; ExAC 0.00037; 1000 Genomes Project 30x 0.00047; gnomAD 0.00047 and 0.00049; gnomAD exomes 0.00051 and 0.00061; TOPMed 0.00056.
gnomAD v4.1: 257 of 453,890 alleles (0.057%); highest among the groups gnomAD compares: Admixed American, 0.087%; 1 homozygote.

Submission:

Illumina Laboratory Services, Illumina
Classification: Benign for Amyotrophic lateral sclerosis type 21. Last evaluated: 2018-01-13. Review status: criteria provided, single submitter. Criteria: ICSL Variant Classification Criteria 13 December 2019. Collection method: clinical testing. Allele origin: germline.
Comment: This variant was observed in the ICSL laboratory as part of a predisposition screen in an ostensibly healthy population. It had not been previously curated by ICSL or reported in the Human Gene Mutation Database (HGMD: prior to June 1st, 2018), and was therefore a candidate for classification through an automated scoring system. Utilizing variant allele frequency, disease prevalence and penetrance estimates, and inheritance mode, an automated score was calculated to assess if this variant is too frequent to cause the disease. Based on the score and internal cut-off values, a variant classified as benign is not then subjected to further curation. The score for this variant resulted in a classification of benign for this disease.

NM_018834.6(MATR3):c.*2054T>A

Gene: MATR3 (matrin 3; plus strand). Cytogenetic location: 5q31.2.
Variant type: single nucleotide variant.
Coding change: c.*2054T>A on transcript NM_018834.6 (MANE Select); 2054 bases downstream of the stop codon, T replaced by A.
Molecular consequence: 3 prime UTR variant.
Genome position (GRCh38, 1-based): chr5:139,331,449, T>A. VCF-style: chr5-139331449-T-A. GRCh37 (hg19) VCF-style: chr5-138667138-T-A.
Other names: c.*2054T>A (NM_001194954.2, NM_001194955.2, NM_001194956.2 and 2 more transcripts).
Identifiers: ClinVar variation 904679 (VCV000904679.4), dbSNP rs116278472, ClinGen allele CA3433633.